The following is an entry in ClinVar:

ClinVar aggregate classification (germline): Likely benign (0 of 4 stars; one submission).

Conditions:
PAPPA2-related disorder. Also called: PAPPA2-related condition.

Allele frequency attached by ClinVar (database versions not stated): gnomAD exomes 0.00005; gnomAD 0.00006.
gnomAD v4.1: 56 of 1,200,150 alleles (0.0047%); highest among the groups gnomAD compares: East Asian, 0.0087%; no homozygotes.

Submission:

PreventionGenetics, part of Exact Sciences
Classification: Likely benign for PAPPA2-related condition. Last evaluated: 2022-09-09. Review status: no assertion criteria provided. Collection method: clinical testing. Allele origin: germline.
Comment: This variant is classified as likely benign based on ACMG/AMP sequence variant interpretation guidelines (Richards et al. 2015 PMID: 25741868, with internal and published modifications).

NM_020318.3(PAPPA2):c.3365+10T>G

Gene: PAPPA2 (pappalysin 2; plus strand). Cytogenetic location: 1q25.2.
Variant type: single nucleotide variant.
Coding change: c.3365+10T>G on transcript NM_020318.3 (MANE Select); 10 bases into the intron after coding-DNA position 3365, T replaced by G.
Molecular consequence: intron variant.
Genome position (GRCh38, 1-based): chr1:176,702,745, T>G. VCF-style: chr1-176702745-T-G. GRCh37 (hg19) VCF-style: chr1-176671881-T-G.
Identifiers: ClinVar variation 3036639 (VCV003036639.2), dbSNP rs1231096489, ClinGen allele CA891563157.